The following is an entry in ClinVar:

ClinVar aggregate classification (germline): Likely pathogenic (1 of 4 stars; one submission).

Conditions:
Mitochondrial DNA depletion syndrome 13. Also called: FBXL4-Related Encephalomyopathic Mitochondrial DNA Depletion Syndrome; Mitochondrial DNA depletion syndrome 13 (encephalomyopathic type). Identifiers: Orphanet 369897, MedGen C3809592, MONDO:0014198, OMIM 615471.

Submission:

Human Genetics Section, Sidra Medicine
Classification: Likely pathogenic for Mitochondrial DNA depletion syndrome 13. Last evaluated: 2024-03-07. Review status: criteria provided, single submitter. Criteria: ACMG Guidelines, 2015. Collection method: research. Allele origin: germline. Inheritance: Autosomal recessive inheritance. Affected: yes. Observed: 1 homozygote.
Comment: The variant has extremely low frequency (not present in GnomAD). The gene has low rate of benign missense mutations and for which missense mutation is a common mechanism of a disease.This sequence change replaces glycine with glutamic acid at codon 66 of the FBXL4 protein (p.Gly66Glu).

NM_001278716.2(FBXL4):c.197G>A (p.Gly66Glu)

Gene: FBXL4 (F-box and leucine rich repeat protein 4; minus strand). Cytogenetic location: 6q16.2.
Variant type: single nucleotide variant.
Coding change: c.197G>A on transcript NM_001278716.2 (MANE Select); coding-DNA position 197, G replaced by A.
Protein change: p.Gly66Glu; replaces glycine 66 with glutamic acid.
Molecular consequence: missense variant. On other transcripts: non-coding transcript variant (2).
Genome position (GRCh38, 1-based): chr6:98,926,792, C>T on the plus strand (G>A on the coding strand, the complement: FBXL4 is on the minus strand). VCF-style: chr6-98926792-C-T. GRCh37 (hg19) VCF-style: chr6-99374668-C-T.
Other names: c.197G>A, p.Gly66Glu (NM_012160.5); short protein forms G66E.
Identifiers: ClinVar variation 3061749 (VCV003061749.2), dbSNP rs2535146567, ClinGen allele CA365090808.
Genomic context (GRCh38, chr6:98,926,792, plus strand): 5'-GGGAATACATTTGGTACACCAGCCAAATTCCACATAGTATAGGACATACTATTCTCACTT[C>T]CATAATGGGAACTGAAATCCACTACTTCTTTGGCATACTGGACTACCTCTGCATTGAGAG-3'
Protein context (NP_001265645.1, residues 56-76): KEVVDFSSHY[Gly66Glu]SENSMSYTMW